The following is an entry in ClinVar:

NM_000057.4(BLM):c.2779dup (p.Arg927fs)

Gene: BLM (BLM RecQ like helicase; plus strand). Cytogenetic location: 15q26.1.
Variant type: Duplication.
Coding change: c.2779dup on transcript NM_000057.4 (MANE Select); coding-DNA position 2779, one base duplicated (A; older notation c.2779dupA).
Protein change: p.Arg927fs; shifts the reading frame from arginine 927.
Molecular consequence: frameshift variant.
Genome position (GRCh38, 1-based): chr15:90,785,037, A duplicated. VCF-style (leftmost placement, unchanged base first): chr15-90785036-C-CA. GRCh37 (hg19) VCF-style: chr15-91328266-C-CA.
Other names: c.2779dup, p.Arg927fs (NM_001287246.2, NM_001287247.2); c.1654dup, p.Arg552fs (NM_001287248.2); short protein forms R927fs, R552fs.
Identifiers: ClinVar variation 5004494 (VCV005004494.1).

ClinVar aggregate classification (germline): Pathogenic (1 of 4 stars; one submission).

Conditions:
Bloom syndrome (BLM). Also called: Bloom-Torre-Machacek syndrome. Identifiers: Orphanet 125, MedGen C0005859, MONDO:0008876, OMIM 210900.

Submission:

Myriad Genetics, Inc.
Classification: Pathogenic for Bloom syndrome. Last evaluated: 2026-02-24. Review status: criteria provided, single submitter. Criteria: Myriad Autosomal Dominant, Autosomal Recessive and X-Linked Classification Criteria (2023). Collection method: clinical testing. Allele origin: unknown.
Comment: NM_000057.3(BLM):c.2779dupA(R927Kfs*3) is a frameshift variant classified as pathogenic in the context of Bloom syndrome. R927Kfs*3 has not been observed in cases with relevant disease. Relevant functional assessments of this variant are not available in the literature. R927Kfs*3 has not been observed in referenced population frequency databases. In summary, NM_000057.3(BLM):c.2779dupA(R927Kfs*3) is a frameshift variant in a gene where loss of function is a known mechanism of disease and is predicted to disrupt protein function. Please note: this variant was assessed in the context of healthy population screening.